The following is an entry in ClinVar:

NM_006383.4(CIB2):c.198G>A (p.Arg66=)

Gene: CIB2 (calcium and integrin binding family member 2; minus strand). Cytogenetic location: 15q25.1.
Variant type: single nucleotide variant.
Coding change: c.198G>A on transcript NM_006383.4 (MANE Select); coding-DNA position 198, G replaced by A.
Protein change: p.Arg66=; no amino-acid change (arginine 66 retained).
Molecular consequence: synonymous variant. On other transcripts: intron variant (2).
Genome position (GRCh38, 1-based): chr15:78,111,165, C>T on the plus strand (G>A on the coding strand, the complement: CIB2 is on the minus strand). VCF-style: chr15-78111165-C-T. GRCh37 (hg19) VCF-style: chr15-78403507-C-T.
Other names: c.69G>A, p.Arg23= (NM_001271888.2); c.52-1783G>A (NM_001271889.2); c.87-1656G>A (NM_001301224.2).
Identifiers: ClinVar variation 1462093 (VCV001462093.8), dbSNP rs757007957, ClinGen allele CA7680312.

ClinVar aggregate classification (germline): Uncertain significance. Review status: criteria provided, multiple submitters, no conflicts (2 of 4 stars). 3 submissions from 3 submitters: Uncertain significance (3). Last evaluated 2024-05-03.

Allele frequency attached by ClinVar (database versions not stated): gnomAD 0.00001; gnomAD exomes 0.00001 and 0.00003; TOPMed 0.00001; ExAC 0.00002.
gnomAD v4.1: 10 of 1,613,768 alleles (0.00062%); highest among the groups gnomAD compares: East Asian, 0.022%; no homozygotes.

Submissions (3):

Blueprint Genetics
Classification: Uncertain significance. Last evaluated: 2024-05-03. Review status: criteria provided, single submitter. Criteria: ACMG Guidelines, 2015. Collection method: clinical testing. Allele origin: germline.

Labcorp Genetics (formerly Invitae), Labcorp
Classification: Uncertain significance. Last evaluated: 2022-10-18. Review status: criteria provided, single submitter. Criteria: Invitae Variant Classification Sherloc (09022015). Collection method: clinical testing. Allele origin: germline.
Comment: This sequence change affects codon 66 of the CIB2 mRNA. It is a 'silent' change, meaning that it does not change the encoded amino acid sequence of the CIB2 protein. This variant also falls at the last nucleotide of exon 3, which is part of the consensus splice site for this exon. This variant is present in population databases (rs757007957, gnomAD 0.03%). This variant has not been reported in the literature in individuals affected with CIB2-related conditions. ClinVar contains an entry for this variant (Variation ID: 1462093). Variants that disrupt the consensus splice site are a relatively common cause of aberrant splicing (PMID: 17576681, 9536098). Algorithms developed to predict the effect of sequence changes on RNA splicing suggest that this variant is not likely to affect RNA splicing. In summary, the available evidence is currently insufficient to determine the role of this variant in disease. Therefore, it has been classified as a Variant of Uncertain Significance.

GeneDx
Classification: Uncertain significance. Last evaluated: 2022-07-19. Review status: criteria provided, single submitter. Criteria: GeneDx Variant Classification Process June 2021. Collection method: clinical testing. Allele origin: germline. Affected: yes.
Comment: In silico analysis supports that this variant does not alter splicing; Has not been previously published as pathogenic or benign to our knowledge

Literature cited by the submitters: PubMed 17576681 (cited by Labcorp Genetics (formerly Invitae), Labcorp); PubMed 9536098 (cited by Labcorp Genetics (formerly Invitae), Labcorp).